The following is an entry in ClinVar:

ClinVar aggregate classification (germline): Uncertain significance. Review status: criteria provided, multiple submitters, no conflicts (2 of 4 stars). 2 submissions from 2 submitters: Uncertain significance (2). Last evaluated 2022-04-19.

Conditions:
Acroosteolysis-keloid-like lesions-premature aging syndrome. Also called: Premature aging syndrome, Penttinen type; Prematurely aged appearance, delayed bone maturation, acro-osteolysis, and brachydactyly; Progeroid syndrome, Penttinen type. Identifiers: Orphanet 363665, MedGen C1866182, MONDO:0011150, OMIM 601812.
Basal ganglia calcification, idiopathic, 4 (PFBC4). Also called: Familial Idiopathic Basal Ganglia Calcification 4; PRIMARY FAMILIAL BRAIN CALCIFICATION 4, AUTOSOMAL DOMINANT. Identifiers: Orphanet 1980, MedGen C3554321, MONDO:0014004, OMIM 615007.
Infantile myofibromatosis (IMF). Also called: Congenital generalized fibromatosis. Identifiers: Orphanet 2591, MedGen C0432284, MONDO:0016824.
Skeletal overgrowth-craniofacial dysmorphism-hyperelastic skin-white matter lesions syndrome. Also called: SKELETAL OVERGROWTH WITH FACIAL DYSMORPHISM, HYPERELASTIC SKIN, WHITE MATTER LESIONS, AND NEUROLOGIC DETERIORATION; Kosaki overgrowth syndrome. Identifiers: Orphanet 477831, MedGen C4225270, MONDO:0014704, OMIM 616592.

Submissions (2):

Labcorp Genetics (formerly Invitae), Labcorp
Classification: Uncertain significance for Basal ganglia calcification, idiopathic, 4; Skeletal overgrowth-craniofacial dysmorphism-hyperelastic skin-white matter lesions syndrome; Infantile myofibromatosis; Acroosteolysis-keloid-like lesions-premature aging syndrome. Last evaluated: 2022-04-19. Review status: criteria provided, single submitter. Criteria: Invitae Variant Classification Sherloc (09022015). Collection method: clinical testing. Allele origin: germline.
Comment: In summary, the available evidence is currently insufficient to determine the role of this variant in disease. Therefore, it has been classified as a Variant of Uncertain Significance. Algorithms developed to predict the effect of missense changes on protein structure and function are either unavailable or do not agree on the potential impact of this missense change (SIFT: "Deleterious"; PolyPhen-2: "Probably Damaging"; Align-GVGD: "Class C0"). This variant has not been reported in the literature in individuals affected with PDGFRB-related conditions. This variant is not present in population databases (gnomAD no frequency). This sequence change replaces valine, which is neutral and non-polar, with methionine, which is neutral and non-polar, at codon 572 of the PDGFRB protein (p.Val572Met).

Laboratorio de Genetica e Diagnostico Molecular, Hospital Israelita Albert Einstein
Classification: Uncertain significance for Skeletal overgrowth-craniofacial dysmorphism-hyperelastic skin-white matter lesions syndrome. Last evaluated: 2021-04-01. Review status: criteria provided, single submitter. Criteria: ACMG Guidelines, 2015. Collection method: clinical testing. Allele origin: germline. Affected: yes.
Comment: ACMG classification criteria: PM2

NM_002609.4(PDGFRB):c.1714G>A (p.Val572Met)

Gene: PDGFRB (platelet derived growth factor receptor beta; minus strand). Cytogenetic location: 5q32.
Variant type: single nucleotide variant.
Coding change: c.1714G>A on transcript NM_002609.4 (MANE Select); coding-DNA position 1714, G replaced by A.
Protein change: p.Val572Met; replaces valine 572 with methionine.
Molecular consequence: missense variant.
Genome position (GRCh38, 1-based): chr5:150,125,538, C>T on the plus strand (G>A on the coding strand, the complement: PDGFRB is on the minus strand). VCF-style: chr5-150125538-C-T. GRCh37 (hg19) VCF-style: chr5-149505101-C-T.
Other names: c.1522G>A, p.Val508Met (NM_001355016.2); c.1231G>A, p.Val411Met (NM_001355017.2); short protein forms V411M, V508M, V572M.
Identifiers: ClinVar variation 1683596 (VCV001683596.7), dbSNP rs2113897117, ClinGen allele CA361766293.